The following is an entry in ClinVar:

NM_001844.5(COL2A1):c.437del (p.Pro146fs)

Gene: COL2A1 (collagen type II alpha 1 chain; minus strand). Cytogenetic location: 12q13.11.
Variant type: Deletion.
Coding change: c.437del on transcript NM_001844.5 (MANE Select); coding-DNA position 437, one base deleted (C; older notation c.437delC).
Protein change: p.Pro146fs; shifts the reading frame from proline 146.
Molecular consequence: frameshift variant.
Genome position (GRCh38, 1-based): chr12:47,997,700, G deleted on the plus strand (C on the coding strand, the reverse complement: COL2A1 is on the minus strand); the first of 4 consecutive G bases (chr12:47,997,700-47,997,703); deleting any one gives the same sequence. VCF-style (leftmost placement, unchanged base first): chr12-47997699-AG-A. GRCh37 (hg19) VCF-style: chr12-48391482-AG-A.
Other names: c.230del, p.Pro77fs (NM_033150.3); short protein forms P146fs, P77fs.
Identifiers: ClinVar variation 2015461 (VCV002015461.4), dbSNP rs2540180615, ClinGen allele CA2575138608.

ClinVar aggregate classification (germline): Pathogenic (1 of 4 stars; one submission).

Submission:

Labcorp Genetics (formerly Invitae), Labcorp
Classification: Pathogenic. Last evaluated: 2022-07-09. Review status: criteria provided, single submitter. Criteria: Invitae Variant Classification Sherloc (09022015). Collection method: clinical testing. Allele origin: germline.
Comment: This sequence change creates a premature translational stop signal (p.Pro146Leufs*53) in the COL2A1 gene. It is expected to result in an absent or disrupted protein product. Loss-of-function variants in COL2A1 are known to be pathogenic (PMID: 20179744). This variant is not present in population databases (gnomAD no frequency). For these reasons, this variant has been classified as Pathogenic. This variant has not been reported in the literature in individuals affected with COL2A1-related conditions.

Literature cited by the submitters: PubMed 20179744.